The following is an entry in ClinVar:

NM_182977.3(NNT):c.566A>G (p.Tyr189Cys)

Gene: NNT (nicotinamide nucleotide transhydrogenase; plus strand). Cytogenetic location: 5p12.
Variant type: single nucleotide variant.
Coding change: c.566A>G on transcript NM_182977.3 (MANE Select); coding-DNA position 566, A replaced by G.
Protein change: p.Tyr189Cys; replaces tyrosine 189 with cysteine.
Molecular consequence: missense variant.
Genome position (GRCh38, 1-based): chr5:43,616,032, A>G. VCF-style: chr5-43616032-A-G. GRCh37 (hg19) VCF-style: chr5-43616134-A-G.
Other names: c.173A>G, p.Tyr58Cys (NM_001331026.2); c.566A>G, p.Tyr189Cys (NM_012343.4); c.566A>G (NM_012343.3); short protein forms Y189C, Y58C.
Identifiers: ClinVar variation 2693768 (VCV002693768.4), dbSNP rs780548392, ClinGen allele CA359666546.
Genomic context (GRCh38, chr5:43,616,032, plus strand): 5'-AAAGAAAAACTACAGTTCTGGCAATGGACCAGGTTCCAAGAGTCACAATTGCTCAGGGAT[A>G]TGATGCGCTAAGCTCCATGGCCAACATTGCGGGGTAGGTTCTTTTCCATTTCAATTGAAC-3'
Protein context (NP_892022.2, residues 179-199): QVPRVTIAQG[Tyr189Cys]DALSSMANIA

ClinVar aggregate classification (germline): Uncertain significance. Review status: criteria provided, multiple submitters, no conflicts (2 of 4 stars). 2 submissions from 2 submitters: Uncertain significance (2). Last evaluated 2025-02-27.

Conditions:
Inborn genetic diseases. Identifiers: MedGen C0950123, MeSH D030342.

Allele frequency attached by ClinVar (database versions not stated): TOPMed 0.00001.
gnomAD v4.1: 27 of 1,614,006 alleles (0.0017%); highest among the groups gnomAD compares: Non-Finnish European, 0.0023%; no homozygotes.

Submissions (2):

Ambry Genetics
Classification: Uncertain significance for Inborn genetic diseases. Last evaluated: 2025-02-27. Review status: criteria provided, single submitter. Criteria: Ambry Variant Classification Scheme 2023. Collection method: clinical testing. Allele origin: germline.

Labcorp Genetics (formerly Invitae), Labcorp
Classification: Uncertain significance. Last evaluated: 2023-11-13. Review status: criteria provided, single submitter. Criteria: Invitae Variant Classification Sherloc (09022015). Collection method: clinical testing. Allele origin: germline.
Comment: This sequence change replaces tyrosine, which is neutral and polar, with cysteine, which is neutral and slightly polar, at codon 189 of the NNT protein (p.Tyr189Cys). This variant is present in population databases (no rsID available, gnomAD 0.004%). This variant has not been reported in the literature in individuals affected with NNT-related conditions. An algorithm developed to predict the effect of missense changes on protein structure and function (PolyPhen-2) suggests that this variant is likely to be disruptive. In summary, the available evidence is currently insufficient to determine the role of this variant in disease. Therefore, it has been classified as a Variant of Uncertain Significance.